The following is an entry in ClinVar:

ClinVar aggregate classification (germline): Uncertain significance. Review status: criteria provided, multiple submitters, no conflicts (2 of 4 stars). 2 submissions from 2 submitters: Uncertain significance (2). Last evaluated 2023-11-19.

Allele frequency attached by ClinVar (database versions not stated): ExAC 0.00003; gnomAD 0.00003; 1000 Genomes Project 30x 0.00016; 1000 Genomes Project 0.00020.
gnomAD v4.1: 100 of 1,613,118 alleles (0.0062%); highest among the groups gnomAD compares: Admixed American, 0.012%; no homozygotes.

Submissions (2):

Labcorp Genetics (formerly Invitae), Labcorp
Classification: Uncertain significance. Last evaluated: 2023-11-19. Review status: criteria provided, single submitter. Criteria: Invitae Variant Classification Sherloc (09022015). Collection method: clinical testing. Allele origin: germline.
Comment: This sequence change replaces arginine, which is basic and polar, with tryptophan, which is neutral and slightly polar, at codon 258 of the RBP3 protein (p.Arg258Trp). The frequency data for this variant in the population databases is considered unreliable, as metrics indicate poor data quality at this position in the gnomAD database. This missense change has been observed in individual(s) with RBP3-related conditions (PMID: 32483926). ClinVar contains an entry for this variant (Variation ID: 2055611). An algorithm developed to predict the effect of missense changes on protein structure and function (PolyPhen-2) suggests that this variant is likely to be disruptive. In summary, the available evidence is currently insufficient to determine the role of this variant in disease. Therefore, it has been classified as a Variant of Uncertain Significance.

Blueprint Genetics
Classification: Uncertain significance. Last evaluated: 2022-09-02. Review status: criteria provided, single submitter. Criteria: ACMG Guidelines, 2015. Collection method: clinical testing. Allele origin: germline.

Literature cited by the submitters: PubMed 32483926 (cited by Labcorp Genetics (formerly Invitae), Labcorp).

NM_002900.3(RBP3):c.772C>T (p.Arg258Trp)

Gene: RBP3 (retinol binding protein 3; plus strand). Cytogenetic location: 10q11.22.
Variant type: single nucleotide variant.
Coding change: c.772C>T on transcript NM_002900.3 (MANE Select); coding-DNA position 772, C replaced by T.
Protein change: p.Arg258Trp; replaces arginine 258 with tryptophan.
Molecular consequence: missense variant.
Genome position (GRCh38, 1-based): chr10:47,349,256, C>T. VCF-style: chr10-47349256-C-T. GRCh37 (hg19) VCF-style: chr10-48390106-G-A.
Other names: short protein forms R258W.
Identifiers: ClinVar variation 2055611 (VCV002055611.3), dbSNP rs563042955, ClinGen allele CA5487698.